The following is an entry in ClinVar:

ClinVar aggregate classification (germline): Likely pathogenic (1 of 4 stars; one submission).

Submission:

CeGaT Center for Human Genetics Tuebingen
Classification: Likely pathogenic. Last evaluated: 2022-05-01. Review status: criteria provided, single submitter. Criteria: CeGaT Center For Human Genetics Tuebingen Variant Classification Criteria Version 2. Collection method: clinical testing. Allele origin: germline. Affected: yes. Observed: 1 variant allele.
Comment: GDAP1: PVS1:Strong, PM2

NM_018972.4(GDAP1):c.774del (p.Lys259fs)

Gene: GDAP1 (ganglioside induced differentiation associated protein 1; plus strand). Cytogenetic location: 8q21.11.
Variant type: Deletion.
Coding change: c.774del on transcript NM_018972.4 (MANE Select); coding-DNA position 774, one base deleted (G; older notation c.774delG).
Protein change: p.Lys259fs; shifts the reading frame from lysine 259.
Molecular consequence: frameshift variant. On other transcripts: intron variant (1).
Genome position (GRCh38, 1-based): chr8:74,364,064, G deleted. VCF-style (leftmost placement, unchanged base first): chr8-74364063-TG-T. GRCh37 (hg19) VCF-style: chr8-75276298-TG-T.
Other names: c.570del, p.Lys191fs (NM_001040875.4); c.447del, p.Lys150fs (NM_001362929.2, NM_001362932.2); c.600del, p.Lys201fs (NM_001362930.2); c.694+1011del (NM_001362931.2); short protein forms K150fs, K191fs, K201fs, K259fs.
Identifiers: ClinVar variation 1695233 (VCV001695233.31), dbSNP rs2131521557, ClinGen allele CA2580078953.
Genomic context (GRCh38, chr8:74,364,063, plus strand): 5'-GGCTCTGCGGTGAATCCTTCACCCTGGCAGACGTCTCACTCGCTGTCACATTGCATCGAC[TG>T]AAGTTCCTGGGGTTTGCAAGGAGAAACTGGGGAAACGGAAAGCGACCAAACTTGGAAACC-3'